The following is an entry in ClinVar:

ClinVar aggregate classification (germline): Uncertain significance (1 of 4 stars; one submission).

Conditions:
Spastic paraplegia. Identifiers: MedGen C0037772, HP:0001258.

Allele frequency attached by ClinVar (database versions not stated): gnomAD exomes below 0.00001.
gnomAD v4.1: 2 of 1,614,064 alleles (0.00012%); highest among the groups gnomAD compares: Non-Finnish European, 0.00017%; no homozygotes.

Submission:

Labcorp Genetics (formerly Invitae), Labcorp
Classification: Uncertain significance for Spastic paraplegia. Last evaluated: 2023-06-17. Review status: criteria provided, single submitter. Criteria: Invitae Variant Classification Sherloc (09022015). Collection method: clinical testing. Allele origin: germline.
Comment: This variant has not been reported in the literature in individuals affected with KIF5A-related conditions. In summary, the available evidence is currently insufficient to determine the role of this variant in disease. Therefore, it has been classified as a Variant of Uncertain Significance. Advanced modeling of protein sequence and biophysical properties (such as structural, functional, and spatial information, amino acid conservation, physicochemical variation, residue mobility, and thermodynamic stability) performed at Invitae indicates that this missense variant is not expected to disrupt KIF5A protein function. ClinVar contains an entry for this variant (Variation ID: 1963384). This variant is not present in population databases (gnomAD no frequency). This sequence change replaces alanine, which is neutral and non-polar, with serine, which is neutral and polar, at codon 312 of the KIF5A protein (p.Ala312Ser).

NM_004984.4(KIF5A):c.934G>T (p.Ala312Ser)

Gene: KIF5A (kinesin family member 5A; plus strand). Cytogenetic location: 12q13.3.
Variant type: single nucleotide variant.
Coding change: c.934G>T on transcript NM_004984.4 (MANE Select); coding-DNA position 934, G replaced by T.
Protein change: p.Ala312Ser; replaces alanine 312 with serine.
Molecular consequence: missense variant.
Genome position (GRCh38, 1-based): chr12:57,569,370, G>T. VCF-style: chr12-57569370-G-T. GRCh37 (hg19) VCF-style: chr12-57963153-G-T.
Other names: c.667G>T, p.Ala223Ser (NM_001354705.2); short protein forms A312S, A223S.
Identifiers: ClinVar variation 1963384 (VCV001963384.5), dbSNP rs1285398673, ClinGen allele CA385500935.
Genomic context (GRCh38, chr12:57,569,370, plus strand): 5'-CTCGGGGGAAACTGCCGGACGACTATGTTCATCTGTTGCTCACCATCCAGTTATAATGAT[G>T]CAGAGACCAAGTCCACCCTGATGTTTGGGCAGCGGTCAGTGGCAGGGTCCCCAGAGGGAT-3'
Protein context (NP_004975.2, residues 302-322): ICCSPSSYND[Ala312Ser]ETKSTLMFGQ